The following is an entry in ClinVar:

ClinVar aggregate classification (germline): Likely benign (1 of 4 stars; one submission).

Submissions (2):

CeGaT Center for Human Genetics Tuebingen
Classification: Likely benign. Last evaluated: 2025-03-01. Review status: criteria provided, single submitter. Criteria: CeGaT Center For Human Genetics Tuebingen Variant Classification Criteria Version 2. Collection method: clinical testing. Allele origin: germline. Affected: yes. Observed: 1 variant allele.
Comment: SPEN: BP4

Dr. Peter K. Rogan Lab, Western University
No classification provided (evidence only). Condition: Sarcoma. Review status: no classification provided. Collection method: in vitro. Allele origin: not applicable. Functional consequence: retained intron. Not counted in ClinVar's aggregate classification.

NM_015001.3(SPEN):c.8330C>T (p.Ala2777Val)

Gene: SPEN (spen family transcriptional repressor; plus strand). Cytogenetic location: 1p36.13.
Variant type: single nucleotide variant.
Coding change: c.8330C>T on transcript NM_015001.3 (MANE Select); coding-DNA position 8330, C replaced by T.
Protein change: p.Ala2777Val; replaces alanine 2777 with valine.
Molecular consequence: missense variant.
Genome position (GRCh38, 1-based): chr1:15,934,570, C>T. VCF-style: chr1-15934570-C-T. GRCh37 (hg19) VCF-style: chr1-16261065-C-T.
Other names: NC_000001.10:g.16261065C>T; short protein forms A2777V.
Identifiers: ClinVar variation 3778063 (VCV003778063.8).
Genomic context (GRCh38, chr1:15,934,570, plus strand): 5'-CAGGCACGGTGACAATGGCAGGGGCAGTGATTGCGCCGTCAACAAAGTGCAAACAGAGAG[C>T]GAGTGCTAATGAAAACAGTCGGTTCCACCCAGGGTCCATGCCTGTGATCGACGATCGTCC-3'
Protein context (NP_055816.2, residues 2767-2787): IAPSTKCKQR[Ala2777Val]SANENSRFHP